The following is an entry in ClinVar:

NM_000474.4(TWIST1):c.316C>G (p.Leu106Val)

Gene: TWIST1 (twist family bHLH transcription factor 1; minus strand). Cytogenetic location: 7p21.1.
Variant type: single nucleotide variant.
Coding change: c.316C>G on transcript NM_000474.4 (MANE Select); coding-DNA position 316, C replaced by G.
Protein change: p.Leu106Val; replaces leucine 106 with valine.
Molecular consequence: missense variant. On other transcripts: non-coding transcript variant (1).
Genome position (GRCh38, 1-based): chr7:19,117,006, G>C on the plus strand (C>G on the coding strand, the complement: TWIST1 is on the minus strand). VCF-style: chr7-19117006-G-C. GRCh37 (hg19) VCF-style: chr7-19156629-G-C.
Other names: c.316C>G (NM_000474.3); short protein forms L106V.
Identifiers: ClinVar variation 1014464 (VCV001014464.10), dbSNP rs1230428800, ClinGen allele CA367015698.

ClinVar aggregate classification (germline): Uncertain significance. Review status: criteria provided, multiple submitters, no conflicts (2 of 4 stars). 3 submissions from 3 submitters: Uncertain significance (3). Last evaluated 2025-12-08.

Conditions:
TWIST1-related craniosynostosis (CRS1). Also called: CRANIOSYNOSTOSIS 1. Identifiers: Orphanet 63440, MedGen C4551902, MONDO:0007399, OMIM 123100. Inheritance: Heterogenous inheritance pattern.
Saethre-Chotzen syndrome (SCS). Also called: CHOTZEN SYNDROME; ACROCEPHALY, SKULL ASYMMETRY, AND MILD SYNDACTYLY; ACS III. Identifiers: Orphanet 794, MedGen C0175699, MONDO:0007042, OMIM 101400.
Sweeney-Cox syndrome. Identifiers: MedGen C4540299, MONDO:0060592, OMIM 617746.
Robinow-Sorauf syndrome. Also called: CRANIOSYNOSTOSIS-BIFID HALLUX SYNDROME; ACROCEPHALOSYNDACTYLY, ROBINOW-SORAUF TYPE. Identifiers: MedGen C1867146, MONDO:0008391, OMIM 180750.
Inborn genetic diseases. Identifiers: MedGen C0950123, MeSH D030342.

Allele frequency attached by ClinVar (database versions not stated): gnomAD 0.00001; TOPMed 0.00002.

Submissions (3):

Ambry Genetics
Classification: Uncertain significance for Inborn genetic diseases. Last evaluated: 2025-12-08. Review status: criteria provided, single submitter. Criteria: Ambry Variant Classification Scheme 2023. Collection method: clinical testing. Allele origin: germline.

Department of Pathology and Laboratory Medicine, Sinai Health System
Classification: Uncertain significance for Saethre-Chotzen syndrome; TWIST1-related craniosynostosis; Robinow-Sorauf syndrome; Sweeney-Cox syndrome. Last evaluated: 2021-07-30. Review status: criteria provided, single submitter. Criteria: ACMG Guidelines, 2015. Collection method: research. Allele origin: germline.

Labcorp Genetics (formerly Invitae), Labcorp
Classification: Uncertain significance for TWIST1-related craniosynostosis; Saethre-Chotzen syndrome. Last evaluated: 2021-07-03. Review status: criteria provided, single submitter. Criteria: Invitae Variant Classification Sherloc (09022015). Collection method: clinical testing. Allele origin: germline.
Comment: This sequence change replaces leucine with valine at codon 106 of the TWIST1 protein (p.Leu106Val). The leucine residue is moderately conserved and there is a small physicochemical difference between leucine and valine. This variant is not present in population databases (ExAC no frequency). This variant has not been reported in the literature in individuals with TWIST1-related conditions. ClinVar contains an entry for this variant (Variation ID: 1014464). Algorithms developed to predict the effect of missense changes on protein structure and function (SIFT, PolyPhen-2, Align-GVGD) all suggest that this variant is likely to be tolerated, but these predictions have not been confirmed by published functional studies and their clinical significance is uncertain. Algorithms developed to predict the effect of sequence changes on RNA splicing suggest that this variant may create or strengthen a splice site, but this prediction has not been confirmed by published transcriptional studies. In summary, the available evidence is currently insufficient to determine the role of this variant in disease. Therefore, it has been classified as a Variant of Uncertain Significance.